The following is an entry in ClinVar:

NM_000081.4(LYST):c.543G>C (p.Lys181Asn)

Gene: LYST (lysosomal trafficking regulator; minus strand). Cytogenetic location: 1q42.3.
Variant type: single nucleotide variant.
Coding change: c.543G>C on transcript NM_000081.4 (MANE Select); coding-DNA position 543, G replaced by C.
Protein change: p.Lys181Asn; replaces lysine 181 with asparagine.
Molecular consequence: missense variant.
Genome position (GRCh38, 1-based): chr1:235,810,275, C>G on the plus strand (G>C on the coding strand, the complement: LYST is on the minus strand). VCF-style: chr1-235810275-C-G. GRCh37 (hg19) VCF-style: chr1-235973575-C-G.
Other names: c.543G>C, p.Lys181Asn (NM_001301365.1); short protein forms K181N.
Identifiers: ClinVar variation 2083712 (VCV002083712.4), dbSNP rs1207508988, ClinGen allele CA344964989.

ClinVar aggregate classification (germline): Uncertain significance (1 of 4 stars; one submission).

Conditions:
Chédiak-Higashi syndrome (CHS). Also called: Chediak-Higashi Syndrome. Identifiers: Orphanet 167, MedGen C0007965, MONDO:0008963, OMIM 214500.

Submission:

Labcorp Genetics (formerly Invitae), Labcorp
Classification: Uncertain significance for Chédiak-Higashi syndrome. Last evaluated: 2022-06-25. Review status: criteria provided, single submitter. Criteria: Invitae Variant Classification Sherloc (09022015). Collection method: clinical testing. Allele origin: germline.
Comment: In summary, the available evidence is currently insufficient to determine the role of this variant in disease. Therefore, it has been classified as a Variant of Uncertain Significance. Algorithms developed to predict the effect of missense changes on protein structure and function are either unavailable or do not agree on the potential impact of this missense change (SIFT: "Tolerated"; PolyPhen-2: "Probably Damaging"; Align-GVGD: "Class C0"). This variant has not been reported in the literature in individuals affected with LYST-related conditions. This variant is not present in population databases (gnomAD no frequency). This sequence change replaces lysine, which is basic and polar, with asparagine, which is neutral and polar, at codon 181 of the LYST protein (p.Lys181Asn).